The following is an entry in ClinVar:

NM_001008537.3(NEXMIF):c.2300C>T (p.Thr767Ile)

Gene: NEXMIF (neurite extension and migration factor; minus strand). Cytogenetic location: Xq13.3.
Variant type: single nucleotide variant.
Coding change: c.2300C>T on transcript NM_001008537.3 (MANE Select); coding-DNA position 2300, C replaced by T.
Protein change: p.Thr767Ile; replaces threonine 767 with isoleucine.
Molecular consequence: missense variant.
Genome position (GRCh38, 1-based): chrX:74,742,257, G>A on the plus strand (C>T on the coding strand, the complement: NEXMIF is on the minus strand). VCF-style: chrX-74742257-G-A. GRCh37 (hg19) VCF-style: chrX-73962092-G-A.
Other names: short protein forms T767I.
Identifiers: ClinVar variation 2911155 (VCV002911155.3), dbSNP rs2519914171, ClinGen allele CA413668520.

ClinVar aggregate classification (germline): Uncertain significance (1 of 4 stars; one submission).

gnomAD v4.1: 2 of 1,211,506 alleles (0.00017%); highest among the groups gnomAD compares: East Asian, 0.003%; no homozygotes.

Submission:

Labcorp Genetics (formerly Invitae), Labcorp
Classification: Uncertain significance. Last evaluated: 2022-11-20. Review status: criteria provided, single submitter. Criteria: Invitae Variant Classification Sherloc (09022015). Collection method: clinical testing. Allele origin: germline.
Comment: In summary, the available evidence is currently insufficient to determine the role of this variant in disease. Therefore, it has been classified as a Variant of Uncertain Significance. Algorithms developed to predict the effect of missense changes on protein structure and function output the following: SIFT: "Deleterious"; PolyPhen-2: "Benign"; Align-GVGD: "Class C15". The isoleucine amino acid residue is found in multiple mammalian species, which suggests that this missense change does not adversely affect protein function. This variant has not been reported in the literature in individuals affected with NEXMIF-related conditions. This variant is not present in population databases (gnomAD no frequency). This sequence change replaces threonine, which is neutral and polar, with isoleucine, which is neutral and non-polar, at codon 767 of the NEXMIF protein (p.Thr767Ile).